The following is an entry in ClinVar:

NC_000015.9:g.(?_48791031)_48829849del

Gene: FBN1 (fibrillin 1; minus strand).
Variant type: Deletion.
Identifiers: ClinVar variation 1073827 (VCV001073827.2).

ClinVar aggregate classification (germline): Pathogenic (1 of 4 stars; one submission).

Conditions:
Familial thoracic aortic aneurysm and aortic dissection (TAAD). Also called: Thoracic aortic aneurysms and dissections. Identifiers: Orphanet 91387, MedGen C4707243, MONDO:0019625.
Marfan syndrome (MFS). Also called: Marfan syndrome type 1; Marfan's syndrome; Marfan syndrome, classic; MARFAN SYNDROME, TYPE I; FBN1-Related Marfan Syndrome. Identifiers: Orphanet 284963, Orphanet 558, MedGen C0024796, MONDO:0007947, OMIM 154700.

Submission:

Labcorp Genetics (formerly Invitae), Labcorp
Classification: Pathogenic for Marfan syndrome; Familial thoracic aortic aneurysm and aortic dissection. Last evaluated: 2019-01-27. Review status: criteria provided, single submitter. Criteria: Invitae Variant Classification Sherloc (09022015). Collection method: clinical testing. Allele origin: germline.
Comment: This variant is a deletion of the genomic region encompassing part of exon 7 and exons 8-18 (c.695_2167+151del)¬†of the FBN1 gene. It is expected to disrupt RNA splicing and likely results in an absent or disrupted protein product. This variant has not been reported in the literature in individuals with FBN1-related conditions. This variant affects a cysteine residue in the EGF-like, TGFBP or hybrid motif domains of FBN1. Cysteine residues are believed to be involved in intramolecular disulfide bridges and have been shown to be important for FBN1 protein structure (PMID: 16905551, 19349279). In addition, missense substitutions affecting cysteine residues within these domains are significantly overrepresented among patients with Marfan syndrome (PMID: 16571647, 17701892). Loss-of-function variants in FBN1 are known to be pathogenic (PMID: 17657824, 19293843). For these reasons, this variant has been classified as Pathogenic.

Literature cited by the submitters: PubMed 16905551; PubMed 19349279; PubMed 16571647; PubMed 17701892; PubMed 17657824; PubMed 19293843.